The following is an entry in ClinVar:

NM_054012.4(ASS1):c.773+1G>A

Gene: ASS1 (argininosuccinate synthase 1; plus strand). Cytogenetic location: 9q34.11.
Variant type: single nucleotide variant.
Coding change: c.773+1G>A on transcript NM_054012.4 (MANE Select); the canonical splice donor site of the intron after coding-DNA position 773, G replaced by A.
Molecular consequence: splice donor variant.
Genome position (GRCh38, 1-based): chr9:130,479,801, G>A. VCF-style: chr9-130479801-G-A. GRCh37 (hg19) VCF-style: chr9-133355188-G-A.
Other names: c.773+1G>A (NM_000050.4).
Identifiers: ClinVar variation 371254 (VCV000371254.13), dbSNP rs982830431, ClinGen allele CA16041302.

ClinVar aggregate classification (germline): Pathogenic. Review status: criteria provided, multiple submitters, no conflicts (2 of 4 stars). 3 submissions from 3 submitters: Pathogenic (2). 1 of the submissions does not count toward it. Last evaluated 2024-10-23.

Conditions:
Citrullinemia. Identifiers: Orphanet 187, MedGen C0175683, MONDO:0015991.
Citrullinemia type I (CTNL1). Also called: argininosuccinate synthetase deficiency; ASS DEFICIENCY. Identifiers: Orphanet 247525, MedGen C4721769, MONDO:0008988, OMIM 215700.

Allele frequency attached by ClinVar (database versions not stated): TOPMed 0.00002.
gnomAD v4.1: 6 of 1,613,816 alleles (0.00037%); highest among the groups gnomAD compares: East Asian, 0.0022%; no homozygotes.

Submissions (4):

Natera, Inc.
Classification: Pathogenic for Citrullinemia type I. Last evaluated: 2024-10-23. Review status: criteria provided, single submitter. Criteria: Natera Variant Classification Schema (03/2026). Collection method: clinical testing. Allele origin: germline.
Comment: The c.773+1G>A variant in ASS1 is a canonical splice donor site variant predicted to affect pre-mRNA splicing, which may result in an abnormal transcript and altered protein product. This variant is expected to result in nonsense mediated decay, truncation, or a dysfunctional protein product. This variant is rare in the general population with a frequency below the threshold expected for the associated phenotype(s). This variant has been observed in one or more individuals affected with the associated recessive disease, as either homozygous or compound heterozygous with a second variant (PMID: 25179242). Functional studies show that this variant may disrupt protein function (PMID: 25179242). Given the available evidence, this variant is classified as Pathogenic.

Labcorp Genetics (formerly Invitae), Labcorp
Classification: Pathogenic for Citrullinemia. Last evaluated: 2023-08-07. Review status: criteria provided, single submitter. Criteria: Invitae Variant Classification Sherloc (09022015). Collection method: clinical testing. Allele origin: germline.
Comment: This variant is not present in population databases (gnomAD no frequency). This sequence change affects a donor splice site in intron 11 of the ASS1 gene. It is expected to disrupt RNA splicing. Variants that disrupt the donor or acceptor splice site typically lead to a loss of protein function (PMID: 16199547), and loss-of-function variants in ASS1 are known to be pathogenic (PMID: 18473344, 19006241). Disruption of this splice site has been observed in individual(s) with citrullinemia (PMID: 25179242). In at least one individual the data is consistent with being in trans (on the opposite chromosome) from a pathogenic variant. ClinVar contains an entry for this variant (Variation ID: 371254). Studies have shown that disruption of this splice site alters mRNA splicing and is expected to lead to the loss of protein expression (PMID: 25179242). For these reasons, this variant has been classified as Pathogenic.

Counsyl
Classification: Likely pathogenic for Citrullinemia type I. Last evaluated: 2016-08-10. Review status: no assertion criteria provided. Collection method: clinical testing. Allele origin: unknown. Not counted in ClinVar's aggregate classification.

Dr. Peter K. Rogan Lab, Western University
No classification provided (evidence only). Condition: Pancreatic adenocarcinoma. Review status: no classification provided. Collection method: in vitro. Allele origin: not applicable. Functional consequence: retained intron. Not counted in ClinVar's aggregate classification.

Literature cited by the submitters: PubMed 25179242 (cited by 3 submitters); PubMed 16199547 (cited by Labcorp Genetics (formerly Invitae), Labcorp); PubMed 18473344 (cited by Labcorp Genetics (formerly Invitae), Labcorp); PubMed 19006241 (cited by Labcorp Genetics (formerly Invitae), Labcorp).